The following is an entry in ClinVar:

ClinVar aggregate classification (germline): Pathogenic (1 of 4 stars; one submission).

Conditions:
Charlevoix-Saguenay spastic ataxia (SACS). Also called: AUTOSOMAL RECESSIVE SPASTIC ATAXIA OF CHARLEVOIX-SAGUENAY; Spastic ataxia of Charlevoix-Saguenay; SPASTIC ATAXIA 6, AUTOSOMAL RECESSIVE. Identifiers: Orphanet 98, MedGen C1849140, MONDO:0010041, OMIM 270550.

Submission:

Myriad Genetics, Inc.
Classification: Pathogenic for Charlevoix-Saguenay spastic ataxia. Last evaluated: 2024-03-20. Review status: criteria provided, single submitter. Criteria: Myriad Autosomal Dominant, Autosomal Recessive and X-Linked Classification Criteria (2023). Collection method: clinical testing. Allele origin: unknown.
Comment: NM_014363.4(SACS):c.1141G>T(E381*) is expected to be pathogenic in the context of autosomal recessive spastic ataxia of Charlevoix-Saguenay. This variant is predicted to lead to an abnormal or absent protein product due to the creation of a premature termination codon in SACS, a gene where loss-of-function variants are known to be pathogenic. Please note: this variant was assessed in the context of healthy population screening.

NM_014363.6(SACS):c.1141G>T (p.Glu381Ter)

Gene: SACS (sacsin molecular chaperone; minus strand). Cytogenetic location: 13q12.12.
Variant type: single nucleotide variant.
Coding change: c.1141G>T on transcript NM_014363.6 (MANE Select); coding-DNA position 1141, G replaced by T.
Protein change: p.Glu381Ter; replaces glutamic acid 381 with a stop codon.
Molecular consequence: nonsense.
Genome position (GRCh38, 1-based): chr13:23,355,471, C>A on the plus strand (G>T on the coding strand, the complement: SACS is on the minus strand). VCF-style: chr13-23355471-C-A. GRCh37 (hg19) VCF-style: chr13-23929610-C-A.
Other names: c.700G>T, p.Glu234Ter (NM_001278055.2); c.1141G>T, p.Glu381Ter (NM_001437336.1); short protein forms E234*, E381*.
Identifiers: ClinVar variation 5012834 (VCV005012834.1).